The following is an entry in ClinVar:

NM_019842.4(KCNQ5):c.1247+16C>T

Gene: KCNQ5 (potassium voltage-gated channel subfamily Q member 5; plus strand). Cytogenetic location: 6q13.
Variant type: single nucleotide variant.
Coding change: c.1247+16C>T on transcript NM_019842.4 (MANE Select); 16 bases into the intron after coding-DNA position 1247, C replaced by T.
Molecular consequence: intron variant.
Genome position (GRCh38, 1-based): chr6:73,124,528, C>T. VCF-style: chr6-73124528-C-T. GRCh37 (hg19) VCF-style: chr6-73834251-C-T.
Other names: c.1247+16C>T (NM_001160133.2, NM_001160134.2); c.1220+3951C>T (NM_001160132.2, NM_001160130.2).
Identifiers: ClinVar variation 1563625 (VCV001563625.10), dbSNP rs779649048, ClinGen allele CA3886939.

ClinVar aggregate classification (germline): Benign/Likely benign. Review status: criteria provided, multiple submitters, no conflicts (2 of 4 stars). 2 submissions from 2 submitters: Benign (1); Likely benign (1). Last evaluated 2026-05-01.

Allele frequency attached by ClinVar (database versions not stated): gnomAD 0.00002; TOPMed 0.00005; ExAC 0.00008; gnomAD exomes 0.00011.
gnomAD v4.1: 32 of 1,612,112 alleles (0.002%); highest among the groups gnomAD compares: Admixed American, 0.053%; no homozygotes.

Submissions (2):

CeGaT Center for Human Genetics Tuebingen
Classification: Likely benign. Last evaluated: 2026-05-01. Review status: criteria provided, single submitter. Criteria: CeGaT Center For Human Genetics Tuebingen Variant Classification Criteria Version 2. Collection method: clinical testing. Allele origin: germline. Affected: yes. Observed: 1 variant allele.
Comment: KCNQ5: BP4, BP7

Labcorp Genetics (formerly Invitae), Labcorp
Classification: Benign. Last evaluated: 2026-01-27. Review status: criteria provided, single submitter. Criteria: Invitae Variant Classification Sherloc (09022015). Collection method: clinical testing. Allele origin: germline.